The following is an entry in ClinVar:

NM_007294.4(BRCA1):c.390C>T (p.Tyr130=)

Gene: BRCA1 (BRCA1 DNA repair associated; minus strand). Cytogenetic location: 17q21.31.
Variant type: single nucleotide variant.
Coding change: c.390C>T on transcript NM_007294.4 (MANE Select); coding-DNA position 390, C replaced by T.
Protein change: p.Tyr130=; no amino-acid change (tyrosine 130 retained).
Molecular consequence: synonymous variant. On other transcripts: intron variant (2).
Genome position (GRCh38, 1-based): chr17:43,104,173, G>A on the plus strand (C>T on the coding strand, the complement: BRCA1 is on the minus strand). VCF-style: chr17-43104173-G-A. GRCh37 (hg19) VCF-style: chr17-41256190-G-A.
Other names: c.390C>T, p.Tyr130= (NM_001407602.1, NM_001407603.1, NM_001407605.1 and 165 more transcripts); c.381C>T, p.Tyr127= (NM_001407646.1, NM_001407647.1, NM_001408408.1); c.312C>T, p.Tyr104= (NM_001407653.1, NM_001407654.1, NM_001407655.1 and 21 more transcripts); c.249C>T, p.Tyr83= (NM_001407692.1, NM_001407694.1, NM_001407695.1 and 99 more transcripts); c.180C>T, p.Tyr60= (NM_001407853.1, NM_001407879.1, NM_001407881.1 and 58 more transcripts); c.9C>T, p.Tyr3= (NM_001407959.1, NM_001407960.1, NM_001407962.1 and 4 more transcripts); c.258C>T, p.Tyr86= (NM_001408451.1); c.-218-9313C>T (NM_001407967.1, NM_001407966.1).
Identifiers: ClinVar variation 427269 (VCV000427269.16), dbSNP rs80356888, ClinGen allele CA290816770.
Genomic context (GRCh38, chr17:43,104,173, plus strand): 5'-TGGTTTTACCAAGGAAGGATTTTCGGGTTCACTCTGTAGAAGTCTTTTGGCACGGTTTCT[G>A]TAGCCCATACTTTGGATGATAGAAACTTCATCTTTTAGATGTTCAGGAGAGTTATTTTCC-3'
Protein context (NP_009225.1, residues 120-140): DEVSIIQSMG[Tyr130=]RNRAKRLLQS

ClinVar aggregate classification (germline): Likely benign. Review status: reviewed by expert panel (3 of 4 stars). 5 submissions from 5 submitters: Likely benign (1). 4 of the submissions do not count toward it. Last evaluated 2017-06-29.

Conditions:
Hereditary breast ovarian cancer syndrome. Also called: Hereditary breast and ovarian cancer syndrome (HBOC); BRCA1- and BRCA2-Associated Hereditary Breast and Ovarian Cancer; Hereditary breast and/or ovarian cancer syndrome; Hereditary breast and ovarian cancer syndrome; Hereditary breast and ovarian cancer; Breast and ovarian cancer. Identifiers: Orphanet 145, MedGen C0677776, MeSH D061325, MONDO:0003582. Disease mechanism: loss of function.
BRCA1-related cancer predisposition. Identifiers: MedGen CN377757, MONDO:0700268.
Hereditary cancer-predisposing syndrome. Also called: Neoplastic Syndromes, Hereditary; Hereditary neoplastic syndrome; Tumor predisposition; Hereditary Cancer Syndrome. Identifiers: Orphanet 140162, MedGen C0027672, MeSH D009386, MONDO:0015356.
Breast-ovarian cancer, familial, susceptibility to, 1 (BROVCA1). Also called: BRCA1 Hereditary Breast and Ovarian Cancer; OVARIAN CANCER, SUSCEPTIBILITY TO. Identifiers: Orphanet 145, MedGen C2676676, MONDO:0011450, OMIM 604370. Disease mechanism: loss of function.

Allele frequency attached by ClinVar (database versions not stated): gnomAD 0.00001; 1000 Genomes Project 30x 0.00016; 1000 Genomes Project 0.00020.
gnomAD v4.1: 1 of 1,614,002 alleles (0.000062%); highest among the groups gnomAD compares: Non-Finnish European, 0.000085%; no homozygotes.

Submissions (5):

Evidence-based Network for the Interpretation of Germline Mutant Alleles (ENIGMA)
Classification: Likely benign for Breast-ovarian cancer, familial, susceptibility to, 1. Last evaluated: 2017-06-29. Review status: reviewed by expert panel. Criteria: ENIGMA BRCA1/2 Classification Criteria (2017-06-29). Collection method: curation. Allele origin: germline.
Comment: Synonymous substitution variant, with low bioinformatic likelihood to result in a splicing aberration (Splicing prior probability 0.02).

Labcorp Genetics (formerly Invitae), Labcorp
Classification: Likely benign for Hereditary breast ovarian cancer syndrome. Last evaluated: 2025-02-08. Review status: criteria provided, single submitter. Criteria: Invitae Variant Classification Sherloc (09022015). Collection method: clinical testing. Allele origin: germline. Not counted in ClinVar's aggregate classification.

All of Us Research Program, National Institutes of Health
Classification: Likely benign for BRCA1-related cancer predisposition. Last evaluated: 2024-06-11. Review status: criteria provided, single submitter. Criteria: ACMG Guidelines, 2015. Collection method: clinical testing. Allele origin: germline. Inheritance: Autosomal dominant inheritance. Observed: 1 variant allele, 1 heterozygote. Not counted in ClinVar's aggregate classification.
Comment: This study involves interpretation of variants in research participants for the purpose of population health screening. Participant phenotype was not available at the time of variant classification. Additional details can be found in publication PMID: 35346344, PMCID: PMC8962531

Quest Diagnostics Nichols Institute San Juan Capistrano
Classification: Likely benign. Last evaluated: 2022-09-16. Review status: criteria provided, single submitter. Criteria: Quest Diagnostics criteria. Collection method: clinical testing. Allele origin: unknown. Not counted in ClinVar's aggregate classification.

Ambry Genetics
Classification: Likely benign for Hereditary cancer-predisposing syndrome. Last evaluated: 2021-09-28. Review status: criteria provided, single submitter. Criteria: Ambry Variant Classification Scheme 2023. Collection method: clinical testing. Allele origin: germline. Not counted in ClinVar's aggregate classification.